The following is an entry in ClinVar:

NM_018406.7(MUC4):c.10093_10094insACACTTCCTCAGCATCCACAGGTCACGCCACCCCTCTTCCTGTCACCG (p.Thr3364_Gly3365insAspThrSerSerAlaSerThrGlyHisAlaThrProLeuProValThr)

Gene: MUC4 (mucin 4, cell surface associated). Cytogenetic location: 3q29.
Variant type: Indel.
Coding change: c.10093_10094insACACTTCCTCAGCATCCACAGGTCACGCCACCCCTCTTCCTGTCACCG on transcript NM_018406.7 (MANE Select); coding-DNA positions 10093 to 10094, ACACTTCCTCAGCATCCACAGGTCACGCCACCCCTCTTCCTGTCACCG inserted.
Protein change: p.Thr3364_Gly3365insAspThrSerSerAlaSerThrGlyHisAlaThrProLeuProValThr.
Molecular consequence: inframe insertion. On other transcripts: inframe indel (1), genic upstream transcript variant (2).
Genome position: GRCh38: chr3:195,781,521-195,781,522. GRCh37 (hg19): chr3:195,508,392-195,508,393.
Other names: c.14838_14863delinsTCACGCCACCCCTCTTCCTGTCACCGACACTTCCTCAGCATCCACAGGTCACGCCACCCCTCTTCCTGTCACCG, p.Gln4947_Ser4955delinsHisAlaThrProLeuProValThrAspThrSerSerAlaSerThrGlyHisAlaThrProLeuProValThrGly (NM_001322468.1); c.83-7182_83-7181insATCCACAGGTCACGCCACCCCTCTTCCTGTCACCGACACTTCCTCAGC (NM_138297.5); c.83-3032_83-3031insATCCACAGGTCACGCCACCCCTCTTCCTGTCACCGACACTTCCTCAGC (NM_004532.6).
Identifiers: ClinVar variation 3025680 (VCV003025680.22), dbSNP rs780551832, ClinGen allele CA2770472.

ClinVar aggregate classification (germline): Likely benign (1 of 4 stars; one submission).

Submission:

CeGaT Center for Human Genetics Tuebingen
Classification: Likely benign. Last evaluated: 2024-01-01. Review status: criteria provided, single submitter. Criteria: CeGaT Center For Human Genetics Tuebingen Variant Classification Criteria Version 2. Collection method: clinical testing. Allele origin: germline. Affected: yes. Observed: 1 variant allele.
Comment: MUC4: PM4, BS2